The following is an entry in ClinVar:

ClinVar aggregate classification (germline): Uncertain significance (1 of 4 stars; one submission).

Allele frequency attached by ClinVar (database versions not stated): gnomAD 0.00001; ExAC 0.00002; gnomAD exomes 0.00002; TOPMed 0.00002; ESP Exome Variant Server 0.00008.
gnomAD v4.1: 23 of 1,608,922 alleles (0.0014%); highest among the groups gnomAD compares: Non-Finnish European, 0.002%; no homozygotes.

Submission:

Labcorp Genetics (formerly Invitae), Labcorp
Classification: Uncertain significance. Last evaluated: 2022-06-04. Review status: criteria provided, single submitter. Criteria: Invitae Variant Classification Sherloc (09022015). Collection method: clinical testing. Allele origin: germline.
Comment: This sequence change replaces glutamic acid, which is acidic and polar, with lysine, which is basic and polar, at codon 2786 of the CPLANE1 protein (p.Glu2786Lys). This variant is present in population databases (rs370334507, gnomAD 0.004%). This variant has not been reported in the literature in individuals affected with CPLANE1-related conditions. Advanced modeling of protein sequence and biophysical properties (such as structural, functional, and spatial information, amino acid conservation, physicochemical variation, residue mobility, and thermodynamic stability) performed at Invitae indicates that this missense variant is not expected to disrupt CPLANE1 protein function. In summary, the available evidence is currently insufficient to determine the role of this variant in disease. Therefore, it has been classified as a Variant of Uncertain Significance.

NM_001384732.1(CPLANE1):c.8518G>A (p.Glu2840Lys)

Gene: CPLANE1 (ciliogenesis and planar polarity effector complex subunit 1; minus strand). Cytogenetic location: 5p13.2.
Variant type: single nucleotide variant.
Coding change: c.8518G>A on transcript NM_001384732.1 (MANE Select); coding-DNA position 8518, G replaced by A.
Protein change: p.Glu2840Lys; replaces glutamic acid 2840 with lysine.
Molecular consequence: missense variant.
Genome position (GRCh38, 1-based): chr5:37,142,424, C>T on the plus strand (G>A on the coding strand, the complement: CPLANE1 is on the minus strand). VCF-style: chr5-37142424-C-T. GRCh37 (hg19) VCF-style: chr5-37142526-C-T.
Other names: c.8356G>A, p.Glu2786Lys (NM_023073.4); short protein forms E2840K, E2786K.
Identifiers: ClinVar variation 2169343 (VCV002169343.1), dbSNP rs370334507, ClinGen allele CA3237759.